The following is an entry in ClinVar:

NM_012186.3(FOXE3):c.541G>C (p.Gly181Arg)

Genes: FOXE3 (forkhead box E3; plus strand), LINC01389 (long independently transcribed non-coding RNA 1389; minus strand). Cytogenetic location: 1p33.
Variant type: single nucleotide variant.
Coding change: c.541G>C on transcript NM_012186.3 (MANE Select); coding-DNA position 541, G replaced by C.
Protein change: p.Gly181Arg; replaces glycine 181 with arginine.
Molecular consequence: missense variant.
Genome position (GRCh38, 1-based): chr1:47,416,856, G>C. VCF-style: chr1-47416856-G-C. GRCh37 (hg19) VCF-style: chr1-47882528-G-C.
Other names: short protein forms G181R.
Identifiers: ClinVar variation 5022008 (VCV005022008.1).
Genomic context (GRCh38, chr1:47,416,856, plus strand): 5'-CTGCGGCGCCGCAAGCGCTTCAAGCGCGCCGAGCTGCCCGCGCACGCGGCCGCGGCGCCA[G>C]GGCCGCCGCTCCCCTTCCCCTACGCGCCCTACGCGCCCGCGCCCGGCCCCGCGCTGCTGG-3'
Protein context (NP_036318.1, residues 171-191): ELPAHAAAAP[Gly181Arg]PPLPFPYAPY

ClinVar aggregate classification (germline): Uncertain significance (1 of 4 stars; one submission).

Conditions:
Cardiovascular phenotype. Identifiers: MedGen CN230736.

Submission:

Ambry Genetics
Classification: Uncertain significance for Cardiovascular phenotype. Last evaluated: 2026-07-04. Review status: criteria provided, single submitter. Criteria: Ambry Variant Classification Scheme 2023. Collection method: clinical testing. Allele origin: germline.
Comment: The p.G181R variant (also known as c.541G>C), located in coding exon 1 of the FOXE3 gene, results from a G to C substitution at nucleotide position 541. The glycine at codon 181 is replaced by arginine, an amino acid with dissimilar properties. This amino acid position is conserved. In addition, this alteration is predicted to be tolerated by in silico analysis. Based on the available evidence, the clinical significance of this variant remains unclear.